The following is an entry in ClinVar:

ClinVar aggregate classification (germline): Uncertain significance (1 of 4 stars; one submission).

Submission:

Ambry Genetics
Classification: Uncertain significance. Last evaluated: 2023-02-17. Review status: criteria provided, single submitter. Criteria: Ambry Variant Classification Scheme 2023. Collection method: clinical testing. Allele origin: germline.
Comment: The c.1526_1527insTGG variant (also known as p.L509delinsFG), located in coding exon 1 of the MLH3 gene, results from an in-frame TGG insertion at nucleotide positions 1526 to 1527. This results in the insertion of an extra residue between codons 509 and 510. This amino acid position is poorly conserved in available vertebrate species. The evidence for this gene-disease relationship is limited; therefore, the clinical significance of this alteration is unclear.

NM_001040108.2(MLH3):c.1526_1527insTGG (p.Leu509delinsPheGly)

Gene: MLH3 (mutL homolog 3; minus strand). Cytogenetic location: 14q24.3.
Variant type: Insertion.
Coding change: c.1526_1527insTGG on transcript NM_001040108.2 (MANE Select); coding-DNA positions 1526 to 1527, TGG inserted.
Protein change: p.Leu509delinsPheGly.
Molecular consequence: inframe indel.
Genome position: GRCh38 VCF-style: chr14-75048129-T-TCCA. GRCh37 (hg19) VCF-style: chr14-75514832-T-TCCA.
Other names: c.1526_1527insTGG, p.Leu509delinsPheGly (NM_014381.3).
Identifiers: ClinVar variation 2448659 (VCV002448659.2), dbSNP rs2503293162, ClinGen allele CA2580088844.